The following is an entry in ClinVar:

NM_020987.5(ANK3):c.10031A>C (p.Lys3344Thr)

Gene: ANK3 (ankyrin 3; minus strand). Cytogenetic location: 10q21.2.
Variant type: single nucleotide variant.
Coding change: c.10031A>C on transcript NM_020987.5 (MANE Select); coding-DNA position 10031, A replaced by C.
Protein change: p.Lys3344Thr; replaces lysine 3344 with threonine.
Molecular consequence: missense variant. On other transcripts: intron variant (4).
Genome position (GRCh38, 1-based): chr10:60,070,850, T>G on the plus strand (A>C on the coding strand, the complement: ANK3 is on the minus strand). VCF-style: chr10-60070850-T-G. GRCh37 (hg19) VCF-style: chr10-61830608-T-G.
Other names: c.4388-2841A>C (NM_001204403.2); c.4409-2841A>C (NM_001204404.2); c.4406-2841A>C (NM_001320874.2); c.1808-2841A>C (NM_001149.4); short protein forms K3344T.
Identifiers: ClinVar variation 3373435 (VCV003373435.1).

ClinVar aggregate classification (germline): Uncertain significance (1 of 4 stars; one submission).

Submission:

GeneDx
Classification: Uncertain significance. Last evaluated: 2024-03-05. Review status: criteria provided, single submitter. Criteria: GeneDx Variant Classification Process June 2021. Collection method: clinical testing. Allele origin: germline. Affected: yes.
Comment: Not observed at significant frequency in large population cohorts (gnomAD); In silico analysis supports that this missense variant does not alter protein structure/function; Has not been previously published as pathogenic or benign to our knowledge